The following is an entry in ClinVar:

ClinVar aggregate classification (germline): Uncertain significance. Review status: criteria provided, multiple submitters, no conflicts (2 of 4 stars). 3 submissions from 3 submitters: Uncertain significance (3). Last evaluated 2025-08-26.

Conditions:
Emery-Dreifuss muscular dystrophy 5, autosomal dominant (EDMD5). Also called: EMERY-DREIFUSS MUSCULAR DYSTROPHY 5. Identifiers: Orphanet 261, MedGen C2751805, MONDO:0013072, OMIM 612999.

Allele frequency attached by ClinVar (database versions not stated): gnomAD 0.00001; TOPMed 0.00001; gnomAD exomes 0.00002 and 0.00004; ExAC 0.00005.
gnomAD v4.1: 41 of 1,613,990 alleles (0.0025%); highest among the groups gnomAD compares: East Asian, 0.0045%; no homozygotes.

Submissions (3):

Ambry Genetics
Classification: Uncertain significance. Last evaluated: 2025-08-26. Review status: criteria provided, single submitter. Criteria: Ambry Variant Classification Scheme 2023. Collection method: clinical testing. Allele origin: germline.

Labcorp Genetics (formerly Invitae), Labcorp
Classification: Uncertain significance for Emery-Dreifuss muscular dystrophy 5, autosomal dominant. Last evaluated: 2022-06-08. Review status: criteria provided, single submitter. Criteria: Invitae Variant Classification Sherloc (09022015). Collection method: clinical testing. Allele origin: germline.
Comment: This variant is present in population databases (rs776545846, gnomAD 0.03%). In summary, the available evidence is currently insufficient to determine the role of this variant in disease. Therefore, it has been classified as a Variant of Uncertain Significance. Algorithms developed to predict the effect of missense changes on protein structure and function output the following: SIFT: "Tolerated"; PolyPhen-2: "Benign"; Align-GVGD: "Class C0". The alanine amino acid residue is found in multiple mammalian species, which suggests that this missense change does not adversely affect protein function. This variant has not been reported in the literature in individuals affected with SYNE2-related conditions. This sequence change replaces threonine, which is neutral and polar, with alanine, which is neutral and non-polar, at codon 4344 of the SYNE2 protein (p.Thr4344Ala).

Revvity Omics, Revvity
Classification: Uncertain significance for Emery-Dreifuss muscular dystrophy 5, autosomal dominant. Last evaluated: 2019-02-14. Review status: criteria provided, single submitter. Criteria: ACMG Guidelines, 2015. Collection method: clinical testing. Allele origin: germline.

NM_182914.3(SYNE2):c.13030A>G (p.Thr4344Ala)

Gene: SYNE2 (spectrin repeat containing nuclear envelope protein 2; plus strand). Cytogenetic location: 14q23.2.
Variant type: single nucleotide variant.
Coding change: c.13030A>G on transcript NM_182914.3 (MANE Select); coding-DNA position 13030, A replaced by G.
Protein change: p.Thr4344Ala; replaces threonine 4344 with alanine.
Molecular consequence: missense variant.
Genome position (GRCh38, 1-based): chr14:64,120,933, A>G. VCF-style: chr14-64120933-A-G. GRCh37 (hg19) VCF-style: chr14-64587651-A-G.
Other names: c.13030A>G, p.Thr4344Ala (NM_015180.6); c.13030A>G (NM_182914.2); short protein forms T4344A.
Identifiers: ClinVar variation 1485483 (VCV001485483.10), dbSNP rs776545846, ClinGen allele CA7222339.